The following is an entry in ClinVar:

NM_001197104.2(KMT2A):c.11569A>T (p.Met3857Leu)

Genes: KMT2A (lysine methyltransferase 2A; plus strand), TTC36-AS1 (TTC36 and KMT2A antisense RNA 1; minus strand). Cytogenetic location: 11q23.3.
Variant type: single nucleotide variant.
Coding change: c.11569A>T on transcript NM_001197104.2 (MANE Select); coding-DNA position 11569, A replaced by T.
Protein change: p.Met3857Leu; replaces methionine 3857 with leucine.
Molecular consequence: missense variant.
Genome position (GRCh38, 1-based): chr11:118,521,343, A>T. VCF-style: chr11-118521343-A-T. GRCh37 (hg19) VCF-style: chr11-118392058-A-T.
Other names: c.11560A>T, p.Met3854Leu (NM_005933.4); short protein forms M3854L, M3857L.
Identifiers: ClinVar variation 1310759 (VCV001310759.2), dbSNP rs2135293845, ClinGen allele CA382835590.

ClinVar aggregate classification (germline): Uncertain significance (1 of 4 stars; one submission).

Submission:

GeneDx
Classification: Uncertain significance. Last evaluated: 2019-12-09. Review status: criteria provided, single submitter. Criteria: GeneDx Variant Classification Process June 2021. Collection method: clinical testing. Allele origin: germline. Affected: yes.
Comment: Not observed in large population cohorts (Lek et al., 2016); In silico analysis, which includes protein predictors and evolutionary conservation, supports that this variant does not alter protein structure/function; Has not been previously published as pathogenic or benign to our knowledge